The following is an entry in ClinVar:

ClinVar aggregate classification (germline): Uncertain significance (1 of 4 stars; one submission).

Allele frequency attached by ClinVar (database versions not stated): gnomAD exomes below 0.00001.
gnomAD v4.1: 1 of 1,613,776 alleles (0.000062%); highest among the groups gnomAD compares: East Asian, 0.0022%; no homozygotes.

Submission:

GeneDx
Classification: Uncertain significance. Last evaluated: 2022-04-15. Review status: criteria provided, single submitter. Criteria: GeneDx Variant Classification Process June 2021. Collection method: clinical testing. Allele origin: germline. Affected: yes.
Comment: Not observed at significant frequency in large population cohorts (gnomAD); In silico analysis supports that this missense variant does not alter protein structure/function; Has not been previously published as pathogenic or benign to our knowledge.

NM_001127222.2(CACNA1A):c.5171A>G (p.Asp1724Gly)

Gene: CACNA1A (calcium voltage-gated channel subunit alpha1 A; minus strand). Cytogenetic location: 19p13.13.
Variant type: single nucleotide variant.
Coding change: c.5171A>G on transcript NM_001127222.2 (MANE Select); coding-DNA position 5171, A replaced by G.
Protein change: p.Asp1724Gly; replaces aspartic acid 1724 with glycine.
Molecular consequence: missense variant.
Genome position (GRCh38, 1-based): chr19:13,234,999, T>C on the plus strand (A>G on the coding strand, the complement: CACNA1A is on the minus strand). VCF-style: chr19-13234999-T-C. GRCh37 (hg19) VCF-style: chr19-13345813-T-C.
Other names: c.5189A>G, p.Asp1730Gly (NM_000068.4, NM_023035.3); c.5174A>G, p.Asp1725Gly (NM_001127221.2); c.5180A>G, p.Asp1727Gly (NM_001174080.2); short protein forms D1724G, D1725G, D1727G, D1730G.
Identifiers: ClinVar variation 1708586 (VCV001708586.2), dbSNP rs2512643845, ClinGen allele CA404335697.